The following is an entry in ClinVar:

ClinVar aggregate classification (germline): Uncertain significance (1 of 4 stars; one submission).

Allele frequency attached by ClinVar (database versions not stated): gnomAD exomes 0.00002; gnomAD 0.00003; TOPMed 0.00005.
gnomAD v4.1: 36 of 1,613,078 alleles (0.0022%); highest among the groups gnomAD compares: Admixed American, 0.005%; no homozygotes.

Submission:

Labcorp Genetics (formerly Invitae), Labcorp
Classification: Uncertain significance. Last evaluated: 2025-01-17. Review status: criteria provided, single submitter. Criteria: Invitae Variant Classification Sherloc (09022015). Collection method: clinical testing. Allele origin: germline.
Comment: This sequence change replaces glutamic acid, which is acidic and polar, with lysine, which is basic and polar, at codon 701 of the CLCN6 protein (p.Glu701Lys). This variant is present in population databases (no rsID available, gnomAD 0.009%). This variant has not been reported in the literature in individuals affected with CLCN6-related conditions. ClinVar contains an entry for this variant (Variation ID: 2192091). An algorithm developed to predict the effect of missense changes on protein structure and function (PolyPhen-2) suggests that this variant is likely to be tolerated. In summary, the available evidence is currently insufficient to determine the role of this variant in disease. Therefore, it has been classified as a Variant of Uncertain Significance.

NM_001286.5(CLCN6):c.2101G>A (p.Glu701Lys)

Gene: CLCN6 (chloride voltage-gated channel 6; plus strand). Cytogenetic location: 1p36.22.
Variant type: single nucleotide variant.
Coding change: c.2101G>A on transcript NM_001286.5 (MANE Select); coding-DNA position 2101, G replaced by A.
Protein change: p.Glu701Lys; replaces glutamic acid 701 with lysine.
Molecular consequence: missense variant. On other transcripts: non-coding transcript variant (1).
Genome position (GRCh38, 1-based): chr1:11,837,119, G>A. VCF-style: chr1-11837119-G-A. GRCh37 (hg19) VCF-style: chr1-11897176-G-A.
Other names: c.2035G>A, p.Glu679Lys (NM_001256959.2); short protein forms E679K, E701K.
Identifiers: ClinVar variation 2192091 (VCV002192091.4), dbSNP rs1043918186, ClinGen allele CA18004104.